The following is an entry in ClinVar:

ClinVar aggregate classification (germline): Uncertain significance. Review status: criteria provided, multiple submitters, no conflicts (2 of 4 stars). 2 submissions from 2 submitters: Uncertain significance (2). Last evaluated 2025-02-19.

Conditions:
Hereditary pancreatitis (PCTT). Also called: Hereditary chronic pancreatitis; PRSS1-Related Hereditary Pancreatitis. Identifiers: Orphanet 676, MedGen C0238339, MONDO:0008185, OMIM 167800.

Allele frequency attached by ClinVar (database versions not stated): ExAC 0.00002; gnomAD 0.00002; gnomAD exomes 0.00002; TOPMed 0.00002.
gnomAD v4.1: 34 of 1,613,888 alleles (0.0021%); highest among the groups gnomAD compares: African/African-American, 0.004%; no homozygotes.

Submissions (2):

Ambry Genetics
Classification: Uncertain significance for Hereditary pancreatitis. Last evaluated: 2025-02-19. Review status: criteria provided, single submitter. Criteria: Ambry Variant Classification Scheme 2023. Collection method: clinical testing. Allele origin: germline.
Comment: The p.R66Q variant (also known as c.197G>A), located in coding exon 3 of the CPA1 gene, results from a G to A substitution at nucleotide position 197. The arginine at codon 66 is replaced by glutamine, an amino acid with highly similar properties. This variant has been detected in an individual from a chronic pancreatitis cohort (Wu H et al. Hum. Mutat., 2017 08;38:959-963). One in vitro study indicated this variant to have an apparent activity and secretion level 60% and 55% of wild type, respectively (Witt H et al. Nat. Genet., 2013 Oct;45:1216-20). This amino acid position is highly conserved in available vertebrate species. In addition, this alteration is predicted to be tolerated by in silico analysis. Based on the available evidence, the clinical significance of this variant remains unclear.

Labcorp Genetics (formerly Invitae), Labcorp
Classification: Uncertain significance. Last evaluated: 2024-08-29. Review status: criteria provided, single submitter. Criteria: Invitae Variant Classification Sherloc (09022015). Collection method: clinical testing. Allele origin: germline.
Comment: This sequence change replaces arginine, which is basic and polar, with glutamine, which is neutral and polar, at codon 66 of the CPA1 protein (p.Arg66Gln). This variant is present in population databases (rs201332778, gnomAD 0.004%). This missense change has been observed in individual(s) with idiopathic chronic pancreatitis (PMID: 28497564). ClinVar contains an entry for this variant (Variation ID: 1428293). Invitae Evidence Modeling of protein sequence and biophysical properties (such as structural, functional, and spatial information, amino acid conservation, physicochemical variation, residue mobility, and thermodynamic stability) indicates that this missense variant is not expected to disrupt CPA1 protein function with a negative predictive value of 80%. Experimental studies have shown that this missense change does not substantially affect CPA1 function (PMID: 23955596). In summary, the available evidence is currently insufficient to determine the role of this variant in disease. Therefore, it has been classified as a Variant of Uncertain Significance.

Literature cited by the submitters: PubMed 23955596 (cited by Ambry Genetics and Labcorp Genetics (formerly Invitae), Labcorp); PubMed 28497564 (cited by Ambry Genetics and Labcorp Genetics (formerly Invitae), Labcorp).

NM_001868.4(CPA1):c.197G>A (p.Arg66Gln)

Gene: CPA1 (carboxypeptidase A1; plus strand). Cytogenetic location: 7q32.2.
Variant type: single nucleotide variant.
Coding change: c.197G>A on transcript NM_001868.4 (MANE Select); coding-DNA position 197, G replaced by A.
Protein change: p.Arg66Gln; replaces arginine 66 with glutamine.
Molecular consequence: missense variant.
Genome position (GRCh38, 1-based): chr7:130,381,679, G>A. VCF-style: chr7-130381679-G-A. GRCh37 (hg19) VCF-style: chr7-130021520-G-A.
Other names: short protein forms R66Q.
Identifiers: ClinVar variation 1428293 (VCV001428293.11), dbSNP rs201332778, ClinGen allele CA4484726.